The following is an entry in ClinVar:

ClinVar aggregate classification (germline): Uncertain significance. Review status: criteria provided, multiple submitters, no conflicts (2 of 4 stars). 2 submissions from 2 submitters: Uncertain significance (2). Last evaluated 2023-11-13.

Allele frequency attached by ClinVar (database versions not stated): gnomAD exomes below 0.00001 and 0.00002; TOPMed below 0.00001; gnomAD 0.00001.
gnomAD v4.1: 30 of 1,613,038 alleles (0.0019%); highest among the groups gnomAD compares: Non-Finnish European, 0.0025%; no homozygotes.

Submissions (2):

Ambry Genetics
Classification: Uncertain significance. Last evaluated: 2023-11-13. Review status: criteria provided, single submitter. Criteria: Ambry Variant Classification Scheme 2023. Collection method: clinical testing. Allele origin: germline.

Labcorp Genetics (formerly Invitae), Labcorp
Classification: Uncertain significance. Last evaluated: 2021-01-15. Review status: criteria provided, single submitter. Criteria: Invitae Variant Classification Sherloc (09022015). Collection method: clinical testing. Allele origin: germline.
Comment: Algorithms developed to predict the effect of missense changes on protein structure and function are either unavailable or do not agree on the potential impact of this missense change (SIFT: "Tolerated"; PolyPhen-2: "Not Available"; Align-GVGD: "Class C0"). This variant has not been reported in the literature in individuals with CIB1-related conditions. This variant is not present in population databases (ExAC no frequency). This sequence change replaces alanine with threonine at codon 106 of the CIB1 protein (p.Ala106Thr). The alanine residue is moderately conserved and there is a small physicochemical difference between alanine and threonine. In summary, the available evidence is currently insufficient to determine the role of this variant in disease. Therefore, it has been classified as a Variant of Uncertain Significance.

NM_006384.4(CIB1):c.196G>A (p.Ala66Thr)

Gene: CIB1 (calcium and integrin binding 1; minus strand). Cytogenetic location: 15q26.1.
Variant type: single nucleotide variant.
Coding change: c.196G>A on transcript NM_006384.4 (MANE Select); coding-DNA position 196, G replaced by A.
Protein change: p.Ala66Thr; replaces alanine 66 with threonine.
Molecular consequence: missense variant. On other transcripts: non-coding transcript variant (2).
Genome position (GRCh38, 1-based): chr15:90,231,507, C>T on the plus strand (G>A on the coding strand, the complement: CIB1 is on the minus strand). VCF-style: chr15-90231507-C-T. GRCh37 (hg19) VCF-style: chr15-90774739-C-T.
Other names: c.316G>A, p.Ala106Thr (NM_001277764.2); c.196G>A (NM_006384.3); short protein forms A66T, A106T.
Identifiers: ClinVar variation 1502698 (VCV001502698.9), dbSNP rs1282252900, ClinGen allele CA393814377.
Genomic context (GRCh38, chr15:90,231,507, plus strand): 5'-GGCTGTCTTTGGCTGGGGATGTGGAGAAGACCCTGCAGATTCGCTCCTTGAAGGGGTTGG[C>T]CTAGGAGAACAAACGCCACAGGACGTGGCCCAGGTCACACGCTCATTAAAGCCTACCAGA-3'
Protein context (NP_006375.2, residues 56-76): EQILSLPELK[Ala66Thr]NPFKERICRV